The following is an entry in ClinVar:

ClinVar aggregate classification (germline): Pathogenic/Likely pathogenic. Review status: criteria provided, multiple submitters, no conflicts (2 of 4 stars). 2 submissions from 2 submitters: Pathogenic (1); Likely pathogenic (1). Last evaluated 2026-05-06.

Conditions:
Polycystic kidney disease 3 with or without polycystic liver disease. Also called: Polycystic Kidney and/or Polycystic Liver Disease 3; Polycystic kidney disease 3; POLYCYSTIC KIDNEY DISEASE, ADULT, TYPE III. Identifiers: MedGen C3887964, MONDO:0010916, OMIM 600666.

Submissions (2):

GeneDx
Classification: Pathogenic. Last evaluated: 2026-05-06. Review status: criteria provided, single submitter. Criteria: GeneDx Variant Classification Process June 2021. Collection method: clinical testing. Allele origin: germline.
Comment: Nonsense variant predicted to result in protein truncation or nonsense mediated decay in a gene for which loss of function is a known mechanism of disease; Not observed at significant frequency in large population cohorts (gnomAD); Has not been previously published as pathogenic or benign to our knowledge

Fulgent Genetics
Classification: Likely pathogenic for Polycystic kidney disease 3 with or without polycystic liver disease. Last evaluated: 2024-03-15. Review status: criteria provided, single submitter. Criteria: ACMG Guidelines, 2015. Collection method: clinical testing. Allele origin: germline.

NM_198334.3(GANAB):c.516_517delinsAT (p.Arg173Ter)

Gene: GANAB (glucosidase II alpha subunit; minus strand). Cytogenetic location: 11q12.3.
Variant type: Indel.
Coding change: c.516_517delinsAT on transcript NM_198334.3 (MANE Select); coding-DNA positions 516 to 517, CC replaced by AT.
Protein change: p.Arg173Ter; replaces arginine 173 with a stop codon.
Molecular consequence: nonsense. On other transcripts: 5 prime UTR variant (2).
Genome position (GRCh38, 1-based): chr11:62,634,864-62,634,865, GG replaced by AT on the plus strand (CC replaced by AT on the coding strand, the reverse complement: GANAB is on the minus strand). VCF-style: chr11-62634864-GG-AT. GRCh37 (hg19) VCF-style: chr11-62402336-GG-AT.
Other names: c.516_517delinsAT (NM_198335.3); c.174_175delinsAT, p.Arg59Ter (NM_001278192.2, NM_001278193.2); c.225_226delinsAT, p.Arg76Ter (NM_001278194.2, NM_001329222.2, NM_001329223.2); c.-261_-260delinsAT (NM_001329224.2, NM_001329225.2); c.516_517delinsAT, p.Arg173Ter (NM_198335.4); short protein forms R76*, R173*, R59*.
Identifiers: ClinVar variation 3599892 (VCV003599892.3).
Genomic context (GRCh38, chr11:62,634,864, plus strand): 5'-CCAACCCCTGTACTCACGAGACCCTAGGGGCCCTCTGATGCTCAAACTCCAAGAGTCCTC[GG>AT]GCATTGACACTAAGCAAAAGACTTCGGTCCTCTAGTAGGTCAAGGCGGAATGGCCGTGCT-3'